The following is an entry in ClinVar:

NM_006279.5(ST3GAL3):c.440G>A (p.Arg147His)

Gene: ST3GAL3 (ST3 beta-galactoside alpha-2,3-sialyltransferase 3; plus strand). Cytogenetic location: 1p34.1.
Variant type: single nucleotide variant.
Coding change: c.440G>A on transcript NM_006279.5 (MANE Select); coding-DNA position 440, G replaced by A.
Protein change: p.Arg147His; replaces arginine 147 with histidine.
Molecular consequence: missense variant. On other transcripts: non-coding transcript variant (7), intron variant (4).
Genome position (GRCh38, 1-based): chr1:43,898,277, G>A. VCF-style: chr1-43898277-G-A. GRCh37 (hg19) VCF-style: chr1-44363949-G-A.
Other names: c.440G>A, p.Arg147His (NM_001270459.2, NM_001350620.2, NM_174966.4); c.347G>A, p.Arg116His (NM_001270460.2); c.392G>A, p.Arg131His (NM_001270461.3, NM_001270464.3, NM_001410781.1 and 1 more transcripts); c.299G>A, p.Arg100His (NM_001270462.3); c.437G>A, p.Arg146His (NM_001270463.3, NM_001270465.3); c.485G>A, p.Arg162His (NM_001350619.2, NM_174964.4); c.161G>A, p.Arg54His (NM_001350621.2); c.602G>A, p.Arg201His (NM_001363573.2, NM_174968.5); and 6 more; short protein forms R162H, R116H, R131H, R201H, R146H, R100H, R147H, R185H.
Identifiers: ClinVar variation 4175761 (VCV004175761.2).
Genomic context (GRCh38, chr1:43,898,277, plus strand): 5'-TCTCTCCTCTGTCTGCAGACAATCTGATCAAAGCCATCTTGTCAGTCACCAAAGAGTACC[G>A]CCTGACCCCTGCCTTGGACAGGTGAGCCACACACTGTGCAGCCTCCTACCCACCGCTGCC-3'
Protein context (NP_006270.1, residues 137-157): KAILSVTKEY[Arg147His]LTPALDSLRC

ClinVar aggregate classification (germline): Uncertain significance. Review status: criteria provided, multiple submitters, no conflicts (2 of 4 stars). 2 submissions from 2 submitters: Uncertain significance (2). Last evaluated 2025-09-11.

Conditions:
Early-infantile DEE. Also called: Early infantile epileptic encephalopathy; Ohtahara syndrome; Early infantile epileptic encephalopathy with suppression bursts. Identifiers: Orphanet 1934, MedGen C0393706, MONDO:0800491.
Inborn genetic diseases. Identifiers: MedGen C0950123, MeSH D030342.

gnomAD v4.1: 28 of 1,613,554 alleles (0.0017%); highest among the groups gnomAD compares: South Asian, 0.0044%; no homozygotes.

Submissions (2):

Ambry Genetics
Classification: Uncertain significance for Inborn genetic diseases. Last evaluated: 2025-09-11. Review status: criteria provided, single submitter. Criteria: Ambry Variant Classification Scheme 2023. Collection method: clinical testing. Allele origin: germline.

Labcorp Genetics (formerly Invitae), Labcorp
Classification: Uncertain significance for Early-infantile DEE. Last evaluated: 2025-04-28. Review status: criteria provided, single submitter. Criteria: Invitae Variant Classification Sherloc (09022015). Collection method: clinical testing. Allele origin: germline.
Comment: This sequence change replaces arginine, which is basic and polar, with histidine, which is basic and polar, at codon 147 of the ST3GAL3 protein (p.Arg147His). The frequency data for this variant in the population databases is considered unreliable, as metrics indicate poor data quality at this position in the gnomAD database. This variant has not been reported in the literature in individuals affected with ST3GAL3-related conditions. Invitae Evidence Modeling of protein sequence and biophysical properties (such as structural, functional, and spatial information, amino acid conservation, physicochemical variation, residue mobility, and thermodynamic stability) indicates that this missense variant is not expected to disrupt ST3GAL3 protein function with a negative predictive value of 80%. In summary, the available evidence is currently insufficient to determine the role of this variant in disease. Therefore, it has been classified as a Variant of Uncertain Significance.